The following is an entry in ClinVar:

ClinVar aggregate classification (germline): Conflicting classifications of pathogenicity. Review status: criteria provided, conflicting classifications (1 of 4 stars). 2 submissions from 2 submitters: Uncertain significance (1); Benign (1). Last evaluated 2025-09-25.

Conditions:
Hereditary cancer-predisposing syndrome. Also called: Neoplastic Syndromes, Hereditary; Tumor predisposition; Hereditary neoplastic syndrome; Hereditary Cancer Syndrome. Identifiers: Orphanet 140162, MedGen C0027672, MeSH D009386, MONDO:0015356.
Fanconi anemia complementation group O. Also called: RAD51C-Related Fanconi Anemia. Identifiers: Orphanet 84, MedGen C3150653, MONDO:0013248, OMIM 613390.

Submissions (2):

Ambry Genetics
Classification: Benign for Hereditary cancer-predisposing syndrome. Last evaluated: 2025-09-25. Review status: criteria provided, single submitter. Criteria: Ambry Variant Classification Scheme 2023. Collection method: clinical testing. Allele origin: germline.

Labcorp Genetics (formerly Invitae), Labcorp
Classification: Uncertain significance for Fanconi anemia complementation group O. Last evaluated: 2023-09-10. Review status: criteria provided, single submitter. Criteria: Invitae Variant Classification Sherloc (09022015). Collection method: clinical testing. Allele origin: germline.
Comment: In summary, the available evidence is currently insufficient to determine the role of this variant in disease. Therefore, it has been classified as a Variant of Uncertain Significance. Advanced modeling of protein sequence and biophysical properties (such as structural, functional, and spatial information, amino acid conservation, physicochemical variation, residue mobility, and thermodynamic stability) performed at Invitae indicates that this missense variant is not expected to disrupt RAD51C protein function. ClinVar contains an entry for this variant (Variation ID: 1489501). This variant has not been reported in the literature in individuals affected with RAD51C-related conditions. This variant is not present in population databases (gnomAD no frequency). This sequence change replaces aspartic acid, which is acidic and polar, with valine, which is neutral and non-polar, at codon 291 of the RAD51C protein (p.Asp291Val).

Literature cited by the submitters: PubMed 26261251 (cited by Ambry Genetics).

NM_058216.3(RAD51C):c.872A>T (p.Asp291Val)

Gene: RAD51C (RAD51 paralog C; plus strand). Cytogenetic location: 17q22.
Variant type: single nucleotide variant.
Coding change: c.872A>T on transcript NM_058216.3 (MANE Select); coding-DNA position 872, A replaced by T.
Protein change: p.Asp291Val; replaces aspartic acid 291 with valine.
Molecular consequence: missense variant. On other transcripts: non-coding transcript variant (1).
Genome position (GRCh38, 1-based): chr17:58,720,780, A>T. VCF-style: chr17-58720780-A-T. GRCh37 (hg19) VCF-style: chr17-56798141-A-T.
Other names: short protein forms D291V.
Identifiers: ClinVar variation 1489501 (VCV001489501.12), dbSNP rs1555602124, ClinGen allele CA400359594.